The following is an entry in ClinVar:

ClinVar aggregate classification (germline): Uncertain significance (1 of 4 stars; one submission).

Conditions:
Primary familial hypertrophic cardiomyopathy (HCM). Identifiers: Orphanet 99739, MedGen C0949658, MeSH D024741, MONDO:0024573. Inheritance: Various modes of inheritance.

gnomAD v4.1: 1 of 1,614,248 alleles (0.000062%); highest among the groups gnomAD compares: Non-Finnish European, 0.000085%; no homozygotes.

Submission:

Labcorp Genetics (formerly Invitae), Labcorp
Classification: Uncertain significance for Primary familial hypertrophic cardiomyopathy. Last evaluated: 2024-09-02. Review status: criteria provided, single submitter. Criteria: Invitae Variant Classification Sherloc (09022015). Collection method: clinical testing. Allele origin: germline.
Comment: This sequence change replaces valine, which is neutral and non-polar, with methionine, which is neutral and non-polar, at codon 380 of the ILK protein (p.Val380Met). This variant is not present in population databases (gnomAD no frequency). This variant has not been reported in the literature in individuals affected with ILK-related conditions. An algorithm developed to predict the effect of missense changes on protein structure and function (PolyPhen-2) suggests that this variant is likely to be tolerated. In summary, the available evidence is currently insufficient to determine the role of this variant in disease. Therefore, it has been classified as a Variant of Uncertain Significance.

NM_004517.4(ILK):c.1138G>A (p.Val380Met)

Genes: TAF10 (TATA-box binding protein associated factor 10; minus strand), ILK (integrin linked kinase; plus strand). Cytogenetic location: 11p15.4.
Variant type: single nucleotide variant.
Coding change: c.1138G>A on transcript NM_004517.4 (MANE Select); coding-DNA position 1138, G replaced by A.
Protein change: p.Val380Met; replaces valine 380 with methionine.
Molecular consequence: missense variant. On other transcripts: 3 prime UTR variant (1).
Genome position (GRCh38, 1-based): chr11:6,610,207, G>A. VCF-style: chr11-6610207-G-A. GRCh37 (hg19) VCF-style: chr11-6631438-G-A.
Other names: c.1138G>A, p.Val380Met (NM_001014794.3, NM_001014795.3); c.955G>A, p.Val319Met (NM_001278441.2); c.736G>A, p.Val246Met (NM_001278442.2); c.*715C>T (NM_006284.4); short protein forms V246M, V319M, V380M.
Identifiers: ClinVar variation 3664250 (VCV003664250.2).